The following is an entry in ClinVar:

ClinVar aggregate classification (germline): Uncertain significance. Review status: criteria provided, multiple submitters, no conflicts (2 of 4 stars). 3 submissions from 3 submitters: Uncertain significance (3). Last evaluated 2024-05-13.

Conditions:
Hereditary cancer-predisposing syndrome. Also called: Neoplastic Syndromes, Hereditary; Tumor predisposition; Hereditary Cancer Syndrome; Hereditary neoplastic syndrome. Identifiers: Orphanet 140162, MedGen C0027672, MeSH D009386, MONDO:0015356.
Pheochromocytoma. Also called: MAX-Related Hereditary Paraganglioma-Pheochromocytoma Syndrome. Identifiers: Orphanet 29072, MedGen C0031511, MONDO:0008233, OMIM 171300, HP:0002666.
Carney-Stratakis syndrome. Also called: PARAGANGLIOMA AND GASTROINTESTINAL STROMAL TUMOR. Identifiers: Orphanet 97286, MedGen C1847319, MONDO:0011740, OMIM 606864.
Cowden syndrome 3 (CWS3). Identifiers: Orphanet 201, MedGen CN166604, MONDO:0014045.
Paragangliomas with sensorineural hearing loss. Identifiers: MedGen C1868633.
Mitochondrial complex 2 deficiency, nuclear type 3. Also called: MITOCHONDRIAL COMPLEX II DEFICIENCY, NUCLEAR TYPE 3. Identifiers: MedGen C5436934, MONDO:0030937, OMIM 619167.

Submissions (3):

Labcorp Genetics (formerly Invitae), Labcorp
Classification: Uncertain significance for Carney-Stratakis syndrome; Paragangliomas with sensorineural hearing loss; Pheochromocytoma; Cowden syndrome 3. Last evaluated: 2024-05-13. Review status: criteria provided, single submitter. Criteria: Invitae Variant Classification Sherloc (09022015). Collection method: clinical testing. Allele origin: germline.
Comment: This sequence change replaces valine, which is neutral and non-polar, with isoleucine, which is neutral and non-polar, at codon 10 of the SDHD protein (p.Val10Ile). This variant is not present in population databases (gnomAD no frequency). This variant has not been reported in the literature in individuals affected with SDHD-related conditions. ClinVar contains an entry for this variant (Variation ID: 465232). Advanced modeling of protein sequence and biophysical properties (such as structural, functional, and spatial information, amino acid conservation, physicochemical variation, residue mobility, and thermodynamic stability) has been performed at Invitae for this missense variant, however the output from this modeling did not meet the statistical confidence thresholds required to predict the impact of this variant on SDHD protein function. In summary, the available evidence is currently insufficient to determine the role of this variant in disease. Therefore, it has been classified as a Variant of Uncertain Significance.

Baylor Genetics
Classification: Uncertain significance for Mitochondrial complex 2 deficiency, nuclear type 3. Last evaluated: 2023-05-28. Review status: criteria provided, single submitter. Criteria: ACMG Guidelines, 2015. Collection method: clinical testing. Allele origin: unknown.

Ambry Genetics
Classification: Uncertain significance for Hereditary cancer-predisposing syndrome. Last evaluated: 2022-02-26. Review status: criteria provided, single submitter. Criteria: Ambry Variant Classification Scheme 2023. Collection method: clinical testing. Allele origin: germline.
Comment: The p.V10I variant (also known as c.28G>A), located in coding exon 1 of the SDHD gene, results from a G to A substitution at nucleotide position 28. The valine at codon 10 is replaced by isoleucine, an amino acid with highly similar properties. This amino acid position is conserved. In addition, the in silico prediction for this alteration is inconclusive. Since supporting evidence is limited at this time, the clinical significance of this alteration remains unclear.

NM_003002.4(SDHD):c.28G>A (p.Val10Ile)

Genes: SDHD (succinate dehydrogenase complex subunit D; plus strand), LOC126861339 (BRD4-independent group 4 enhancer GRCh37_chr11:111957035-111958234; plus strand). Cytogenetic location: 11q23.1.
Variant type: single nucleotide variant.
Coding change: c.28G>A on transcript NM_003002.4 (MANE Select); coding-DNA position 28, G replaced by A.
Protein change: p.Val10Ile; replaces valine 10 with isoleucine.
Molecular consequence: missense variant. On other transcripts: non-coding transcript variant (1).
Genome position (GRCh38, 1-based): chr11:112,086,935, G>A. VCF-style: chr11-112086935-G-A. GRCh37 (hg19) VCF-style: chr11-111957659-G-A.
Other names: c.28G>A, p.Val10Ile (NM_001276503.2, NM_001276504.2, NM_001276506.2); short protein forms V10I.
Identifiers: ClinVar variation 465232 (VCV000465232.9), dbSNP rs1555186671, ClinGen allele CA382616687.